The following is an entry in ClinVar:

NM_001098.3(ACO2):c.1270C>T (p.Arg424Cys)

Gene: ACO2 (aconitase 2; plus strand). Cytogenetic location: 22q13.2.
Variant type: single nucleotide variant.
Coding change: c.1270C>T on transcript NM_001098.3 (MANE Select); coding-DNA position 1270, C replaced by T.
Protein change: p.Arg424Cys; replaces arginine 424 with cysteine.
Molecular consequence: missense variant.
Genome position (GRCh38, 1-based): chr22:41,522,961, C>T. VCF-style: chr22-41522961-C-T. GRCh37 (hg19) VCF-style: chr22-41918965-C-T.
Other names: short protein forms R424C.
Identifiers: ClinVar variation 3008426 (VCV003008426.3), dbSNP rs767183173, ClinGen allele CA10257585.

ClinVar aggregate classification (germline): Uncertain significance (1 of 4 stars; one submission).

Allele frequency attached by ClinVar (database versions not stated): TOPMed below 0.00001; gnomAD 0.00001; gnomAD exomes 0.00001; ExAC 0.00002.
gnomAD v4.1: 22 of 1,614,084 alleles (0.0014%); highest among the groups gnomAD compares: South Asian, 0.0066%; no homozygotes.

Submission:

Labcorp Genetics (formerly Invitae), Labcorp
Classification: Uncertain significance. Last evaluated: 2024-05-22. Review status: criteria provided, single submitter. Criteria: Invitae Variant Classification Sherloc (09022015). Collection method: clinical testing. Allele origin: germline.
Comment: This sequence change replaces arginine, which is basic and polar, with cysteine, which is neutral and slightly polar, at codon 424 of the ACO2 protein (p.Arg424Cys). This variant is present in population databases (rs767183173, gnomAD 0.005%). This variant has not been reported in the literature in individuals affected with ACO2-related conditions. Advanced modeling of protein sequence and biophysical properties (such as structural, functional, and spatial information, amino acid conservation, physicochemical variation, residue mobility, and thermodynamic stability) performed at Invitae indicates that this missense variant is expected to disrupt ACO2 protein function with a positive predictive value of 80%. In summary, the available evidence is currently insufficient to determine the role of this variant in disease. Therefore, it has been classified as a Variant of Uncertain Significance.